The following is an entry in ClinVar:

ClinVar aggregate classification (germline): Uncertain significance (1 of 4 stars; one submission).

Conditions:
Inborn genetic diseases. Identifiers: MedGen C0950123, MeSH D030342.

Submission:

Ambry Genetics
Classification: Uncertain significance for Inborn genetic diseases. Last evaluated: 2023-08-03. Review status: criteria provided, single submitter. Criteria: Ambry Variant Classification Scheme 2023. Collection method: clinical testing. Allele origin: germline.
Comment: The p.V1903G variant (also known as c.5708T>G), located in coding exon 39 of the LRRK2 gene, results from a T to G substitution at nucleotide position 5708. The valine at codon 1903 is replaced by glycine, an amino acid with dissimilar properties. This amino acid position is conserved. In addition, this alteration is predicted to be deleterious by in silico analysis. Since supporting evidence is limited at this time, the clinical significance of this alteration remains unclear.

NM_198578.4(LRRK2):c.5708T>G (p.Val1903Gly)

Gene: LRRK2 (leucine rich repeat kinase 2; plus strand). Cytogenetic location: 12q12.
Variant type: single nucleotide variant.
Coding change: c.5708T>G on transcript NM_198578.4 (MANE Select); coding-DNA position 5708, T replaced by G.
Protein change: p.Val1903Gly; replaces valine 1903 with glycine.
Molecular consequence: missense variant.
Genome position (GRCh38, 1-based): chr12:40,328,411, T>G. VCF-style: chr12-40328411-T-G. GRCh37 (hg19) VCF-style: chr12-40722213-T-G.
Other names: short protein forms V1903G.
Identifiers: ClinVar variation 2587284 (VCV002587284.2), dbSNP rs2499907565, ClinGen allele CA384399608.